The following is an entry in ClinVar:

NC_000011.9:g.(?_57373463)_(57374040_?)del

Gene: SERPING1 (serpin family G member 1; plus strand). Cytogenetic location: 11q12.1.
Variant type: Deletion.
Identifiers: ClinVar variation 1398010 (VCV001398010.6).

ClinVar aggregate classification (germline): Pathogenic (1 of 4 stars; one submission).

Submission:

Labcorp Genetics (formerly Invitae), Labcorp
Classification: Pathogenic. Last evaluated: 2021-07-17. Review status: criteria provided, single submitter. Criteria: Invitae Variant Classification Sherloc (09022015). Collection method: clinical testing. Allele origin: germline.
Comment: This variant is a gross deletion of the genomic region encompassing exon(s) 5-6 of the SERPING1 gene. This deletion is out-of-frame, and is expected to create a premature translational stop signal and result in an absent or disrupted protein product. Loss-of-function variants in SERPING1 are known to be pathogenic (PMID: 11112899, 24456027). For these reasons, this variant has been classified as Pathogenic. A similar copy number variant ‚Äãhas been observed in individual(s) with hereditary angioedema (PMID: 11139243, 15971231, 18758157).

Literature cited by the submitters: PubMed 11112899; PubMed 24456027; PubMed 11139243; PubMed 15971231; PubMed 18758157.